The following is an entry in ClinVar:

ClinVar aggregate classification (germline): Uncertain significance (1 of 4 stars; one submission).

Conditions:
Familial sleep-related hypermotor epilepsy. Also called: Autosomal Dominant Sleep-Related Hypermotor (Hyperkinetic) Epilepsy. Identifiers: Orphanet 98784, MedGen C3696898, MONDO:0000030.

Allele frequency attached by ClinVar (database versions not stated): 1000 Genomes Project 0.00020; TOPMed 0.00001; 1000 Genomes Project 30x 0.00016.
gnomAD v4.1: 7 of 1,614,088 alleles (0.00043%); highest among the groups gnomAD compares: Admixed American, 0.005%; no homozygotes.

Submission:

Labcorp Genetics (formerly Invitae), Labcorp
Classification: Uncertain significance. Last evaluated: 2023-11-14. Review status: criteria provided, single submitter. Criteria: Invitae Variant Classification Sherloc (09022015). Collection method: clinical testing. Allele origin: germline.
Comment: This sequence change replaces arginine, which is basic and polar, with leucine, which is neutral and non-polar, at codon 68 of the CHRNA2 protein (p.Arg68Leu). This variant is present in population databases (rs548268816, gnomAD 0.003%). This variant has not been reported in the literature in individuals affected with CHRNA2-related conditions. ClinVar contains an entry for this variant (Variation ID: 1016204). Advanced modeling of protein sequence and biophysical properties (such as structural, functional, and spatial information, amino acid conservation, physicochemical variation, residue mobility, and thermodynamic stability) performed at Invitae indicates that this missense variant is not expected to disrupt CHRNA2 protein function with a negative predictive value of 80%. In summary, the available evidence is currently insufficient to determine the role of this variant in disease. Therefore, it has been classified as a Variant of Uncertain Significance.

NM_000742.4(CHRNA2):c.203G>T (p.Arg68Leu)

Gene: CHRNA2 (cholinergic receptor nicotinic alpha 2 subunit; minus strand). Cytogenetic location: 8p21.2.
Variant type: single nucleotide variant.
Coding change: c.203G>T on transcript NM_000742.4 (MANE Select); coding-DNA position 203, G replaced by T.
Protein change: p.Arg68Leu; replaces arginine 68 with leucine.
Molecular consequence: missense variant. On other transcripts: 5 prime UTR variant (4).
Genome position (GRCh38, 1-based): chr8:27,469,852, C>A on the plus strand (G>T on the coding strand, the complement: CHRNA2 is on the minus strand). VCF-style: chr8-27469852-C-A. GRCh37 (hg19) VCF-style: chr8-27327369-C-A.
Other names: c.203G>T, p.Arg68Leu (NM_001282455.2); c.-225G>T (NM_001347705.2); c.-270G>T (NM_001347706.2); c.-211G>T (NM_001347707.2); c.-259G>T (NM_001347708.2); short protein forms R68L.
Identifiers: ClinVar variation 1016204 (VCV001016204.5), dbSNP rs548268816, ClinGen allele CA4689767.
Genomic context (GRCh38, chr8:27,469,852, plus strand): 5'-AAGCGCACAATCACCACGTCTGAAGTGTTGGGCACCGGGCGCGCCCAGCGGTTGTAGCCC[C>A]GGAAGAGGTGTTTGAAGAGCCGGTCCTCAGTCTCGGTATGCGAGCCTCCCTGCGGCAATG-3'
Protein context (NP_000733.2, residues 58-78): TEDRLFKHLF[Arg68Leu]GYNRWARPVP